The following is an entry in ClinVar:

ClinVar aggregate classification (germline): Likely pathogenic (1 of 4 stars; one submission).

Conditions:
Hereditary spastic paraplegia 45. Also called: Spastic paraplegia 45, autosomal recessive; SPASTIC PARAPLEGIA 45. Identifiers: Orphanet 320396, MedGen C3888209, MONDO:0013165, OMIM 613162.

Submission:

Juno Genomics, Hangzhou Juno Genomics, Inc
Classification: Likely pathogenic for Hereditary spastic paraplegia 45. Review status: criteria provided, single submitter. Criteria: ACMG Guidelines, 2015. Collection method: clinical testing. Allele origin: germline.
Comment: Absent from controls (or at extremely low frequency if recessive) in Genome Aggregation Database.;Null variant in a gene where loss of function (LOF) is a known mechanism of disease.

NM_001351169.2(NT5C2):c.216del (p.Thr73fs)

Gene: NT5C2 (5'-nucleotidase, cytosolic II; minus strand). Cytogenetic location: 10q24.33.
Variant type: Deletion.
Coding change: c.216del on transcript NM_001351169.2 (MANE Select); coding-DNA position 216, one base deleted (T; older notation c.216delT).
Protein change: p.Thr73fs; shifts the reading frame from threonine 73.
Molecular consequence: frameshift variant. On other transcripts: 5 prime UTR variant (22).
Genome position (GRCh38, 1-based): chr10:103,106,666, A deleted on the plus strand (T on the coding strand, the reverse complement: NT5C2 is on the minus strand); the first of 2 consecutive A bases (chr10:103,106,666-103,106,667); deleting either gives the same sequence. VCF-style (leftmost placement, unchanged base first): chr10-103106665-TA-T. GRCh37 (hg19) VCF-style: chr10-104866422-TA-T.
Other names: c.216del, p.Thr73fs (NM_001134373.3, NM_001351170.2, NM_001351171.2 and 3 more transcripts); c.129del, p.Thr44fs (NM_001351174.1); c.123del, p.Thr42fs (NM_001351175.2); c.-358del (NM_001351176.2, NM_001351177.2, NM_001351183.2 and 2 more transcripts); c.-382del (NM_001351178.2, NM_001351193.1); c.-550del (NM_001351179.2, NM_001351180.2, NM_001351182.2 and 3 more transcripts); c.-266del (NM_001351181.2, NM_001351191.1); c.-571del (NM_001351185.2); and 5 more; short protein forms T42fs, T44fs, T73fs.
Identifiers: ClinVar variation 5019065 (VCV005019065.2).